The following is an entry in ClinVar:

NM_025000.4(DCAF17):c.555T>A (p.His185Gln)

Gene: DCAF17 (DDB1 and CUL4 associated factor 17; plus strand). Cytogenetic location: 2q31.1.
Variant type: single nucleotide variant.
Coding change: c.555T>A on transcript NM_025000.4 (MANE Select); coding-DNA position 555, T replaced by A.
Protein change: p.His185Gln; replaces histidine 185 with glutamine.
Molecular consequence: missense variant. On other transcripts: non-coding transcript variant (1).
Genome position (GRCh38, 1-based): chr2:171,453,141, T>A. VCF-style: chr2-171453141-T-A. GRCh37 (hg19) VCF-style: chr2-172309651-T-A.
Other names: c.555T>A, p.His185Gln (NM_001164821.2); short protein forms H185Q.
Identifiers: ClinVar variation 128890 (VCV000128890.22), dbSNP rs3731984, ClinGen allele CA152559.

ClinVar aggregate classification (germline): Benign/Likely benign. Review status: criteria provided, multiple submitters, no conflicts (2 of 4 stars). 7 submissions from 7 submitters: Benign (5); Likely benign (1). 1 of the submissions does not count toward it. Last evaluated 2026-02-04.

Conditions:
Woodhouse-Sakati syndrome. Also called: Hypogonadism, diabetes mellitus, alopecia, mental retardation and electrocardiographic abnormalities; Hypogonadism, Alopecia, Diabetes Mellitus, Mental Retardation, and Extrapyramidal Syndrome; EXTRAPYRAMIDAL DISORDER, PROGRESSIVE, WITH PRIMARY HYPOGONADISM, MENTAL RETARDATION, AND ALOPECIA. Identifiers: Orphanet 3464, MedGen C0342286, MONDO:0009419, OMIM 241080.

Allele frequency attached by ClinVar (database versions not stated): gnomAD exomes 0.02577 and 0.02646; 1000 Genomes Project 30x 0.03888; 1000 Genomes Project 0.03934; ExAC 0.02665; ESP Exome Variant Server 0.03036; gnomAD 0.03047 and 0.03048; TOPMed 0.03171.
gnomAD v4.1: 43,333 of 1,608,876 alleles (2.7%); highest among the groups gnomAD compares: East Asian, 4%; 673 homozygotes.

Submissions (7):

Labcorp Genetics (formerly Invitae), Labcorp
Classification: Benign for Woodhouse-Sakati syndrome. Last evaluated: 2026-02-04. Review status: criteria provided, single submitter. Criteria: Invitae Variant Classification Sherloc (09022015). Collection method: clinical testing. Allele origin: germline.

Mayo Clinic Laboratories, Mayo Clinic
Classification: Benign. Last evaluated: 2023-03-10. Review status: criteria provided, single submitter. Criteria: ACMG Guidelines, 2015. Collection method: clinical testing. Allele origin: germline. Observed: 31 variant alleles.
Comment: BS1, BS2, BP4

GeneDx
Classification: Benign. Last evaluated: 2019-09-04. Review status: criteria provided, single submitter. Criteria: GeneDx Variant Classification Process June 2021. Collection method: clinical testing. Allele origin: germline. Affected: yes.
Comment: This variant is associated with the following publications: (PMID: 29345162)

Illumina Laboratory Services, Illumina
Classification: Benign for Woodhouse-Sakati syndrome. Last evaluated: 2018-01-13. Review status: criteria provided, single submitter. Criteria: ICSL Variant Classification Criteria 13 December 2019. Collection method: clinical testing. Allele origin: germline.
Comment: This variant was observed in the ICSL laboratory as part of a predisposition screen in an ostensibly healthy population. It had not been previously curated by ICSL or reported in the Human Gene Mutation Database (HGMD: prior to June 1st, 2018), and was therefore a candidate for classification through an automated scoring system. Utilizing variant allele frequency, disease prevalence and penetrance estimates, and inheritance mode, an automated score was calculated to assess if this variant is too frequent to cause the disease. Based on the score and internal cut-off values, a variant classified as benign is not then subjected to further curation. The score for this variant resulted in a classification of benign for this disease.

Breakthrough Genomics
Classification: Benign. Review status: criteria provided, single submitter. Criteria: ACMG Guidelines, 2015. Collection method: not provided. Allele origin: germline. Inheritance: Autosomal recessive inheritance. Affected: yes.

Clinical Genomics, Uppaluri K&H Personalized Medicine Clinic
Classification: Likely benign for Woodhouse-Sakati syndrome. Review status: criteria provided, single submitter. Criteria: K & H Uppaluri Personalized Medicine Clinic Variant Classification & Assertion Criteria_Updated V.1. Collection method: research. Allele origin: unknown. Inheritance: Autosomal recessive inheritance.
Comment: Mutations in DCAF17 have been associated with a rare syndrome called Woodhouse Sakati Syndrome, which can have diabetes mellitus as one of the presentations. However no sufficient evidence is found to ascertain the role of this particular variant rs3731984, yet.

Genetic Services Laboratory, University of Chicago
Classification: Likely benign for AllHighlyPenetrant. Review status: no assertion criteria provided. Collection method: clinical testing. Allele origin: germline. Inheritance: Autosomal recessive inheritance. Not counted in ClinVar's aggregate classification.
Comment: Likely benign based on allele frequency in 1000 Genomes Project or ESP global frequency and its presence in a patient with a rare or unrelated disease phenotype. NOT Sanger confirmed.

Literature cited by the submitters: PubMed 36568422 (cited by Mayo Clinic Laboratories, Mayo Clinic); PubMed 31347785 (cited by Clinical Genomics, Uppaluri K&H Personalized Medicine Clinic); PubMed 35876063 (cited by Clinical Genomics, Uppaluri K&H Personalized Medicine Clinic); PubMed 27489925 (cited by Clinical Genomics, Uppaluri K&H Personalized Medicine Clinic).